The following is an entry in ClinVar:

NM_007194.4(CHEK2):c.310G>T (p.Ala104Ser)

Gene: CHEK2 (checkpoint kinase 2; minus strand). Cytogenetic location: 22q12.1.
Variant type: single nucleotide variant.
Coding change: c.310G>T on transcript NM_007194.4 (MANE Select); coding-DNA position 310, G replaced by T.
Protein change: p.Ala104Ser; replaces alanine 104 with serine.
Molecular consequence: missense variant.
Genome position (GRCh38, 1-based): chr22:28,734,412, C>A on the plus strand (G>T on the coding strand, the complement: CHEK2 is on the minus strand). VCF-style: chr22-28734412-C-A. GRCh37 (hg19) VCF-style: chr22-29130400-C-A.
Other names: c.310G>T, p.Ala104Ser (NM_001005735.3, NM_001349956.3, NM_145862.3); c.-468G>T (NM_001257387.3); short protein forms A104S.
Identifiers: ClinVar variation 842215 (VCV000842215.13), dbSNP rs1601851066, ClinGen allele CA411090203.

ClinVar aggregate classification (germline): Conflicting classifications of pathogenicity. Review status: criteria provided, conflicting classifications (1 of 4 stars). 2 submissions from 2 submitters: Uncertain significance (1); Likely benign (1). Last evaluated 2024-04-05.

Conditions:
Hereditary cancer-predisposing syndrome. Also called: Hereditary Cancer Syndrome; Hereditary neoplastic syndrome; Tumor predisposition; Neoplastic Syndromes, Hereditary. Identifiers: Orphanet 140162, MedGen C0027672, MeSH D009386, MONDO:0015356.
Familial cancer of breast. Also called: hereditary breast carcinoma; BREAST CANCER, FAMILIAL; Hereditary breast cancer. Identifiers: Orphanet 227535, MedGen C0346153, MONDO:0016419, OMIM 114480. Disease mechanism: loss of function.

Submissions (2):

Labcorp Genetics (formerly Invitae), Labcorp
Classification: Uncertain significance for Familial cancer of breast. Last evaluated: 2024-04-05. Review status: criteria provided, single submitter. Criteria: Invitae Variant Classification Sherloc (09022015). Collection method: clinical testing. Allele origin: germline.
Comment: This sequence change replaces alanine, which is neutral and non-polar, with serine, which is neutral and polar, at codon 104 of the CHEK2 protein (p.Ala104Ser). This variant is not present in population databases (gnomAD no frequency). This variant has not been reported in the literature in individuals affected with CHEK2-related conditions. ClinVar contains an entry for this variant (Variation ID: 842215). Algorithms developed to predict the effect of missense changes on protein structure and function output the following: SIFT: "Not Available"; PolyPhen-2: "Benign"; Align-GVGD: "Not Available". The serine amino acid residue is found in multiple mammalian species, which suggests that this missense change does not adversely affect protein function. In summary, the available evidence is currently insufficient to determine the role of this variant in disease. Therefore, it has been classified as a Variant of Uncertain Significance.

Ambry Genetics
Classification: Likely benign for Hereditary cancer-predisposing syndrome. Last evaluated: 2022-10-30. Review status: criteria provided, single submitter. Criteria: Ambry Variant Classification Scheme 2023. Collection method: clinical testing. Allele origin: germline.